The following is an entry in ClinVar:

ClinVar aggregate classification (germline): Pathogenic/Likely pathogenic. Review status: criteria provided, multiple submitters, no conflicts (2 of 4 stars). 7 submissions from 7 submitters: Pathogenic (5); Likely pathogenic (2). Last evaluated 2025-09-11.

Conditions:
Wilson disease (WND). Also called: Wilson's disease. Identifiers: Orphanet 905, MedGen C0019202, MONDO:0010200, OMIM 277900. Disease mechanism: loss of function.
Inborn genetic diseases. Identifiers: MedGen C0950123, MeSH D030342.

Submissions (7):

Natera, Inc.
Classification: Pathogenic for Wilson disease. Last evaluated: 2025-09-11. Review status: criteria provided, single submitter. Criteria: Natera Variant Classification Schema (03/2026). Collection method: clinical testing. Allele origin: germline.
Comment: The c.956del variant in ATP7B is a frameshift variant predicted to shift the reading frame beginning at codon 319 and leads to a stop codon 44 codons downstream. This variant is expected to result in nonsense mediated decay, truncation, or a dysfunctional protein product. This variant is rare in the general population with a frequency below the threshold expected for the associated phenotype(s). This variant has been observed in one or more individuals affected with the associated recessive disease, as either homozygous or compound heterozygous with a second variant (PMID: 3993377). Given the available evidence, this variant is classified as Pathogenic.

Fulgent Genetics
Classification: Likely pathogenic for Wilson disease. Last evaluated: 2024-02-26. Review status: criteria provided, single submitter. Criteria: ACMG Guidelines, 2015. Collection method: clinical testing. Allele origin: germline.

Baylor Genetics
Classification: Likely pathogenic for Wilson disease. Last evaluated: 2023-12-02. Review status: criteria provided, single submitter. Criteria: ACMG Guidelines, 2015. Collection method: clinical testing. Allele origin: unknown.

Labcorp Genetics (formerly Invitae), Labcorp
Classification: Pathogenic for Wilson disease. Last evaluated: 2023-11-20. Review status: criteria provided, single submitter. Criteria: Invitae Variant Classification Sherloc (09022015). Collection method: clinical testing. Allele origin: germline.
Comment: This sequence change creates a premature translational stop signal (p.Pro319Hisfs*44) in the ATP7B gene. It is expected to result in an absent or disrupted protein product. Loss-of-function variants in ATP7B are known to be pathogenic (PMID: 10441329, 16283883). This variant is present in population databases (rs753674382, gnomAD 0.0009%). This variant has not been reported in the literature in individuals affected with ATP7B-related conditions. ClinVar contains an entry for this variant (Variation ID: 944208). For these reasons, this variant has been classified as Pathogenic.

Genome-Nilou Lab
Classification: Pathogenic for Wilson disease. Last evaluated: 2021-08-10. Review status: criteria provided, single submitter. Criteria: ACMG Guidelines, 2015. Collection method: clinical testing. Allele origin: germline. Affected: no.

ARUP Laboratories, Molecular Genetics and Genomics, ARUP Laboratories
Classification: Pathogenic for Wilson disease. Last evaluated: 2019-08-29. Review status: criteria provided, single submitter. Criteria: ARUP Molecular Germline Variant Investigation Process. Collection method: clinical testing. Allele origin: germline.
Comment: The ATP7B c.956delC; p.Pro319fs variant (rs753674382), to our knowledge, is not reported in the medical literature or gene specific databases. This variant is only observed on one allele in the Genome Aggregation Database, indicating it is not a common polymorphism. This variant causes a frameshift by deleting a single nucleotide, so it is predicted to result in a truncated protein or mRNA subject to nonsense-mediated decay. Loss-of-function variants are a known mechanism of Wilson disease and several truncating variants downstream of c.956delC have been reported (Chang 2017). Based on available information, this variant is considered to be pathogenic. REFERENCES Chang IJ et al. The genetics of Wilson disease. Handb Clin Neurol. 2017;142:19-34.

Ambry Genetics
Classification: Pathogenic for Inborn genetic diseases. Last evaluated: 2016-04-08. Review status: criteria provided, single submitter. Criteria: Ambry Variant Classification Scheme 2023. Collection method: clinical testing. Allele origin: germline.
Comment: The c.956delC pathogenic mutation, located in coding exon 2 of the ATP7B gene, results from a deletion of one nucleotide at nucleotide position 956, causing a translational frameshift with a predicted alternate stop codon (p.P319Hfs*44). Since frameshifts are typically deleterious in nature, this alteration is interpreted as a disease-causing mutation (ACMG Recommendations for Standards for Interpretation and Reporting of Sequence Variations. Revision 2007. Genet Med. 2008;10:294).

Literature cited by the submitters: PubMed 3993377 (cited by Natera, Inc.); PubMed 10441329 (cited by Labcorp Genetics (formerly Invitae), Labcorp); PubMed 16283883 (cited by Labcorp Genetics (formerly Invitae), Labcorp).

NM_000053.4(ATP7B):c.956del (p.Pro319fs)

Gene: ATP7B (ATPase copper transporting beta; minus strand). Cytogenetic location: 13q14.3.
Variant type: Deletion.
Coding change: c.956del on transcript NM_000053.4 (MANE Select); coding-DNA position 956, one base deleted (C; older notation c.956delC).
Protein change: p.Pro319fs; shifts the reading frame from proline 319.
Molecular consequence: frameshift variant. On other transcripts: intron variant (1).
Genome position (GRCh38, 1-based): chr13:51,974,264, G deleted on the plus strand (C on the coding strand, the reverse complement: ATP7B is on the minus strand); the first of 2 consecutive G bases (chr13:51,974,264-51,974,265); deleting either gives the same sequence. VCF-style (leftmost placement, unchanged base first): chr13-51974263-TG-T. GRCh37 (hg19) VCF-style: chr13-52548399-TG-T.
Other names: c.956del, p.Pro319fs (NM_001005918.3, NM_001330578.2, NM_001330579.2); c.802+154del (NM_001243182.2); c.956delC (NM_000053.3); short protein forms P319fs.
Identifiers: ClinVar variation 944208 (VCV000944208.23), dbSNP rs753674382, ClinGen allele CA6989466.